The following is an entry in ClinVar:

ClinVar aggregate classification (germline): Pathogenic (1 of 4 stars; one submission).

Conditions:
CUBN-related disorder. Also called: CUBN-related condition.

Submission:

PreventionGenetics, part of Exact Sciences
Classification: Pathogenic for CUBN-related condition. Last evaluated: 2024-11-09. Review status: criteria provided, single submitter. Criteria: ACMG Guidelines, 2015. Collection method: clinical testing. Allele origin: germline.
Comment: The CUBN c.9440delT variant is predicted to result in a frameshift and premature protein termination (p.Phe3147Serfs*15). To our knowledge, this variant has not been reported in the literature or in a large population database (gnomAD), indicating this variant is rare. Frameshift variants in CUBN are expected to be pathogenic. This variant is interpreted as pathogenic.

NM_001081.4(CUBN):c.9440del (p.Phe3147fs)

Gene: CUBN (cubilin; minus strand). Cytogenetic location: 10p13.
Variant type: Deletion.
Coding change: c.9440del on transcript NM_001081.4 (MANE Select); coding-DNA position 9440, one base deleted (T; older notation c.9440delT).
Protein change: p.Phe3147fs; shifts the reading frame from phenylalanine 3147.
Molecular consequence: frameshift variant.
Genome position (GRCh38, 1-based): chr10:16,869,650, A deleted on the plus strand (T on the coding strand, the reverse complement: CUBN is on the minus strand); the first of 3 consecutive A bases (chr10:16,869,650-16,869,652); deleting any one gives the same sequence. VCF-style (leftmost placement, unchanged base first): chr10-16869649-GA-G. GRCh37 (hg19) VCF-style: chr10-16911648-GA-G.
Other names: c.9440delT (NM_001081.3); short protein forms F3147fs.
Identifiers: ClinVar variation 5001035 (VCV005001035.1).
Genomic context (GRCh38, chr10:16,869,649, plus strand): 5'-AAAGGTAACAGTCCTGACAAATAGATTTACAAGTCCAGAATTCTTACCCAATGTCTGCCG[GA>G]AAGACATCTTCCAGCCTTTTGCTGTCTGAAATGAATCTGTCTTGAACACCAGGAGCATAC-3'